The following is an entry in ClinVar:

NM_198252.3(GSN):c.119C>T (p.Thr40Met)

Gene: GSN (gelsolin; plus strand). Cytogenetic location: 9q33.2.
Variant type: single nucleotide variant.
Coding change: c.119C>T on transcript NM_198252.3 (MANE Select); coding-DNA position 119, C replaced by T.
Protein change: p.Thr40Met; replaces threonine 40 with methionine.
Molecular consequence: missense variant. On other transcripts: intron variant (1).
Genome position (GRCh38, 1-based): chr9:121,302,090, C>T. VCF-style: chr9-121302090-C-T. GRCh37 (hg19) VCF-style: chr9-124064368-C-T.
Other names: c.152C>T, p.Thr51Met (NM_001353063.2, NM_001353064.2, NM_001353065.2 and 13 more transcripts); c.191C>T, p.Thr64Met (NM_001353076.2); c.-458-821C>T (NM_001353078.2); c.272C>T (NM_000177.4); c.272C>T, p.Thr91Met (NM_000177.5); c.119C>T, p.Thr40Met (NM_001127662.2, NM_001127664.2, NM_001127665.2 and 10 more transcripts); c.227C>T, p.Thr76Met (NM_001127663.2); c.170C>T, p.Thr57Met (NM_001258029.2); and 1 more; short protein forms T48M, T91M, T40M, T51M, T57M, T64M, T76M.
Identifiers: ClinVar variation 1937516 (VCV001937516.6), dbSNP rs749868096, ClinGen allele CA5220766.

ClinVar aggregate classification (germline): Uncertain significance. Review status: criteria provided, multiple submitters, no conflicts (2 of 4 stars). 2 submissions from 2 submitters: Uncertain significance (2). Last evaluated 2025-09-09.

Conditions:
Inborn genetic diseases. Identifiers: MedGen C0950123, MeSH D030342.

Allele frequency attached by ClinVar (database versions not stated): ExAC 0.00001; gnomAD exomes 0.00002; TOPMed 0.00002.
gnomAD v4.1: 24 of 1,614,190 alleles (0.0015%); highest among the groups gnomAD compares: East Asian, 0.0022%; no homozygotes.

Submissions (2):

Ambry Genetics
Classification: Uncertain significance for Inborn genetic diseases. Last evaluated: 2025-09-09. Review status: criteria provided, single submitter. Criteria: Ambry Variant Classification Scheme 2023. Collection method: clinical testing. Allele origin: germline.

Labcorp Genetics (formerly Invitae), Labcorp
Classification: Uncertain significance. Last evaluated: 2025-05-05. Review status: criteria provided, single submitter. Criteria: Invitae Variant Classification Sherloc (09022015). Collection method: clinical testing. Allele origin: germline.
Comment: This sequence change replaces threonine, which is neutral and polar, with methionine, which is neutral and non-polar, at codon 91 of the GSN protein (p.Thr91Met). This variant is present in population databases (rs749868096, gnomAD 0.002%). This variant has not been reported in the literature in individuals affected with GSN-related conditions. ClinVar contains an entry for this variant (Variation ID: 1937516). An algorithm developed to predict the effect of missense changes on protein structure and function outputs the following: PolyPhen-2: "Benign". The methionine amino acid residue is found in multiple mammalian species, which suggests that this missense change does not adversely affect protein function. In summary, the available evidence is currently insufficient to determine the role of this variant in disease. Therefore, it has been classified as a Variant of Uncertain Significance.